The following is an entry in ClinVar:

ClinVar aggregate classification (germline): Uncertain significance. Review status: criteria provided, multiple submitters, no conflicts (2 of 4 stars). 2 submissions from 2 submitters: Uncertain significance (2). Last evaluated 2025-06-10.

Conditions:
Inborn genetic diseases. Identifiers: MedGen C0950123, MeSH D030342.

Allele frequency attached by ClinVar (database versions not stated): ExAC 0.00003; gnomAD 0.00011; TOPMed 0.00014.
gnomAD v4.1: 39 of 1,611,884 alleles (0.0024%); highest among the groups gnomAD compares: African/African-American, 0.045%; no homozygotes.

Submissions (2):

Ambry Genetics
Classification: Uncertain significance for Inborn genetic diseases. Last evaluated: 2025-06-10. Review status: criteria provided, single submitter. Criteria: Ambry Variant Classification Scheme 2023. Collection method: clinical testing. Allele origin: germline.

Labcorp Genetics (formerly Invitae), Labcorp
Classification: Uncertain significance. Last evaluated: 2024-01-05. Review status: criteria provided, single submitter. Criteria: Invitae Variant Classification Sherloc (09022015). Collection method: clinical testing. Allele origin: germline.
Comment: This sequence change replaces serine, which is neutral and polar, with threonine, which is neutral and polar, at codon 46 of the BMP2 protein (p.Ser46Thr). This variant is present in population databases (rs746277910, gnomAD 0.04%). This variant has not been reported in the literature in individuals affected with BMP2-related conditions. ClinVar contains an entry for this variant (Variation ID: 2361086). An algorithm developed to predict the effect of missense changes on protein structure and function (PolyPhen-2) suggests that this variant is likely to be disruptive. In summary, the available evidence is currently insufficient to determine the role of this variant in disease. Therefore, it has been classified as a Variant of Uncertain Significance.

NM_001200.4(BMP2):c.136T>A (p.Ser46Thr)

Gene: BMP2 (bone morphogenetic protein 2; plus strand). Cytogenetic location: 20p12.3.
Variant type: single nucleotide variant.
Coding change: c.136T>A on transcript NM_001200.4 (MANE Select); coding-DNA position 136, T replaced by A.
Protein change: p.Ser46Thr; replaces serine 46 with threonine.
Molecular consequence: missense variant.
Genome position (GRCh38, 1-based): chr20:6,770,262, T>A. VCF-style: chr20-6770262-T-A. GRCh37 (hg19) VCF-style: chr20-6750909-T-A.
Other names: short protein forms S46T.
Identifiers: ClinVar variation 2361086 (VCV002361086.6), dbSNP rs746277910, ClinGen allele CA9758605.